The following is an entry in ClinVar:

ClinVar aggregate classification (germline): Uncertain significance (1 of 4 stars; one submission).

Conditions:
Hereditary cancer-predisposing syndrome. Also called: Tumor predisposition; Neoplastic Syndromes, Hereditary; Hereditary neoplastic syndrome; Hereditary Cancer Syndrome. Identifiers: Orphanet 140162, MedGen C0027672, MeSH D009386, MONDO:0015356.

Submission:

Ambry Genetics
Classification: Uncertain significance for Hereditary cancer-predisposing syndrome. Last evaluated: 2024-11-22. Review status: criteria provided, single submitter. Criteria: Ambry Variant Classification Scheme 2023. Collection method: clinical testing. Allele origin: germline.
Comment: The p.K266E variant (also known as c.796A>G), located in coding exon 3 of the XRCC2 gene, results from an A to G substitution at nucleotide position 796. The lysine at codon 266 is replaced by glutamic acid, an amino acid with similar properties. This amino acid position is conserved. In addition, this alteration is predicted to be tolerated by in silico analysis. Based on the available evidence, the clinical significance of this variant remains unclear.

NM_005431.2(XRCC2):c.796A>G (p.Lys266Glu)

Gene: XRCC2 (X-ray repair cross complementing 2; minus strand). Cytogenetic location: 7q36.1.
Variant type: single nucleotide variant.
Coding change: c.796A>G on transcript NM_005431.2 (MANE Select); coding-DNA position 796, A replaced by G.
Protein change: p.Lys266Glu; replaces lysine 266 with glutamic acid.
Molecular consequence: missense variant.
Genome position (GRCh38, 1-based): chr7:152,648,689, T>C on the plus strand (A>G on the coding strand, the complement: XRCC2 is on the minus strand). VCF-style: chr7-152648689-T-C. GRCh37 (hg19) VCF-style: chr7-152345774-T-C.
Other names: short protein forms K266E.
Identifiers: ClinVar variation 3471480 (VCV003471480.1).